The following is an entry in ClinVar:

ClinVar aggregate classification (germline): Uncertain significance (1 of 4 stars; one submission).

gnomAD v4.1: 5 of 1,550,362 alleles (0.00032%); highest among the groups gnomAD compares: Non-Finnish European, 0.00035%; no homozygotes.

Submission:

Labcorp Genetics (formerly Invitae), Labcorp
Classification: Uncertain significance. Last evaluated: 2024-06-13. Review status: criteria provided, single submitter. Criteria: Invitae Variant Classification Sherloc (09022015). Collection method: clinical testing. Allele origin: germline.
Comment: This sequence change replaces glutamic acid, which is acidic and polar, with lysine, which is basic and polar, at codon 2590 of the ZNF469 protein (p.Glu2590Lys). This variant is present in population databases (no rsID available, gnomAD 0.002%). This variant has not been reported in the literature in individuals affected with ZNF469-related conditions. An algorithm developed to predict the effect of missense changes on protein structure and function (PolyPhen-2) suggests that this variant is likely to be tolerated. In summary, the available evidence is currently insufficient to determine the role of this variant in disease. Therefore, it has been classified as a Variant of Uncertain Significance.

NM_001367624.2(ZNF469):c.7852G>A (p.Glu2618Lys)

Gene: ZNF469 (zinc finger protein 469; plus strand). Cytogenetic location: 16q24.2.
Variant type: single nucleotide variant.
Coding change: c.7852G>A on transcript NM_001367624.2 (MANE Select); coding-DNA position 7852, G replaced by A.
Protein change: p.Glu2618Lys; replaces glutamic acid 2618 with lysine.
Molecular consequence: missense variant.
Genome position (GRCh38, 1-based): chr16:88,435,322, G>A. VCF-style: chr16-88435322-G-A. GRCh37 (hg19) VCF-style: chr16-88501730-G-A.
Other names: short protein forms E2618K.
Identifiers: ClinVar variation 3693746 (VCV003693746.2).